The following is an entry in ClinVar:

ClinVar aggregate classification (germline): Uncertain significance. Review status: criteria provided, multiple submitters, no conflicts (2 of 4 stars). 3 submissions from 3 submitters: Uncertain significance (3). Last evaluated 2026-04-21.

Conditions:
FHL1-related disorder. Also called: FHL1-related condition; FHL1-related disorders.
Cardiovascular phenotype. Identifiers: MedGen CN230736.
X-linked myopathy with postural muscle atrophy. Also called: FHL1-Related Emery-Dreifuss Muscular Dystrophy, X-Linked. Identifiers: Orphanet 178461, MedGen C2678055, MONDO:0010401, OMIM 300696.

gnomAD v4.1: 1 of 1,212,381 alleles (0.000082%); highest among the groups gnomAD compares: African/African-American, 0.0017%; no homozygotes.

Submissions (3):

PreventionGenetics, part of Exact Sciences
Classification: Uncertain significance for FHL1-related condition. Last evaluated: 2026-04-21. Review status: criteria provided, single submitter. Criteria: ACMG Guidelines, 2015. Collection method: clinical testing. Allele origin: germline.
Comment: The FHL1 c.452T>C variant is predicted to result in the amino acid substitution p.Val151Ala. To our knowledge, this variant has not been reported in the literature or in a large population database (gnomAD), indicating this variant is rare. At this time, the clinical significance of this variant is uncertain due to the absence of conclusive functional and genetic evidence.

Labcorp Genetics (formerly Invitae), Labcorp
Classification: Uncertain significance for X-linked myopathy with postural muscle atrophy. Last evaluated: 2024-08-01. Review status: criteria provided, single submitter. Criteria: Invitae Variant Classification Sherloc (09022015). Collection method: clinical testing. Allele origin: germline.
Comment: This sequence change replaces valine, which is neutral and non-polar, with alanine, which is neutral and non-polar, at codon 151 of the FHL1 protein (p.Val151Ala). This variant is not present in population databases (gnomAD no frequency). This variant has not been reported in the literature in individuals affected with FHL1-related conditions. An algorithm developed to predict the effect of missense changes on protein structure and function (PolyPhen-2) suggests that this variant is likely to be disruptive. In summary, the available evidence is currently insufficient to determine the role of this variant in disease. Therefore, it has been classified as a Variant of Uncertain Significance.

Ambry Genetics
Classification: Uncertain significance for Cardiovascular phenotype. Last evaluated: 2024-06-03. Review status: criteria provided, single submitter. Criteria: Ambry Variant Classification Scheme 2023. Collection method: clinical testing. Allele origin: germline.
Comment: The p.V151A variant (also known as c.452T>C), located in coding exon 3 of the FHL1 gene, results from a T to C substitution at nucleotide position 452. The valine at codon 151 is replaced by alanine, an amino acid with similar properties. This amino acid position is conserved. In addition, this alteration is predicted to be tolerated by in silico analysis. Based on the available evidence, the clinical significance of this variant remains unclear.

NM_001159699.2(FHL1):c.500T>C (p.Val167Ala)

Gene: FHL1 (four and a half LIM domains 1; plus strand). Cytogenetic location: Xq26.3.
Variant type: single nucleotide variant.
Coding change: c.500T>C on transcript NM_001159699.2 (MANE Select); coding-DNA position 500, T replaced by C.
Protein change: p.Val167Ala; replaces valine 167 with alanine.
Molecular consequence: missense variant. On other transcripts: non-coding transcript variant (1).
Genome position (GRCh38, 1-based): chrX:136,207,912, T>C. VCF-style: chrX-136207912-T-C. GRCh37 (hg19) VCF-style: chrX-135290071-T-C.
Other names: c.452T>C, p.Val151Ala (NM_001159700.2, NM_001159702.3, NM_001159703.2 and 9 more transcripts); c.539T>C, p.Val180Ala (NM_001159701.2); c.500T>C, p.Val167Ala (NM_001330659.2); c.452T>C (NM_001159702.2); short protein forms V180A, V167A, V151A.
Identifiers: ClinVar variation 3278817 (VCV003278817.4).